The following is an entry in ClinVar:

ClinVar aggregate classification (germline): Likely benign (1 of 4 stars; one submission).

Conditions:
Hypercholesterolemia, autosomal dominant, 3 (FHCL3). Also called: Familial Hypercholesterolemia, Autosomal Dominant, 3; PCSK9-Related Familial Hypercholesterolemia, Autosomal Dominant; Familial hypercholesterolemia 3. Identifiers: MedGen C1863551, MONDO:0011369, OMIM 603776.

Submission:

All of Us Research Program, National Institutes of Health
Classification: Likely benign for Hypercholesterolemia, autosomal dominant, 3. Last evaluated: 2024-06-11. Review status: criteria provided, single submitter. Criteria: ACMG Guidelines, 2015. Collection method: clinical testing. Allele origin: germline. Inheritance: Autosomal dominant inheritance. Observed: 2 variant alleles, 2 heterozygotes.
Comment: This study involves interpretation of variants in research participants for the purpose of population health screening. Participant phenotype was not available at the time of variant classification. Additional details can be found in publication PMID: 35346344, PMCID: PMC8962531

NM_174936.4(PCSK9):c.1181-13A>G

Gene: PCSK9 (proprotein convertase subtilisin/kexin type 9; plus strand). Cytogenetic location: 1p32.3.
Variant type: single nucleotide variant.
Coding change: c.1181-13A>G on transcript NM_174936.4 (MANE Select); 13 bases into the intron before coding-DNA position 1181, A replaced by G.
Molecular consequence: intron variant.
Genome position (GRCh38, 1-based): chr1:55,058,023, A>G. VCF-style: chr1-55058023-A-G. GRCh37 (hg19) VCF-style: chr1-55523696-A-G.
Other names: c.806-13A>G (NM_001407246.1); c.1304-13A>G (NM_001407240.1); c.1184-13A>G (NM_001407242.1); c.1181-13A>G (NM_001407241.1); c.1181-476A>G (NM_001407244.1); c.1180+509A>G (NM_001407247.1); c.1124-13A>G (NM_001407243.1); c.989-13A>G (NM_001407245.1).
Identifiers: ClinVar variation 3387445 (VCV003387445.1).
Genomic context (GRCh38, chr1:55,058,023, plus strand): 5'-CACTGGCAGGAGTCCCCTGCTGGGGCAGGAGGGCCGGGCCATCACCATCTTTCACCATTC[A>G]CCCCTGCACCAGGCATTGCAGCCATGATGCTGTCTGCCGAGCCGGAGCTCACCCTGGCCG-3'